The following is an entry in ClinVar:

NM_182972.3(IRF2BP2):c.1385C>T (p.Ser462Phe)

Gene: IRF2BP2 (interferon regulatory factor 2 binding protein 2; minus strand). Cytogenetic location: 1q42.3.
Variant type: single nucleotide variant.
Coding change: c.1385C>T on transcript NM_182972.3 (MANE Select); coding-DNA position 1385, C replaced by T.
Protein change: p.Ser462Phe; replaces serine 462 with phenylalanine.
Molecular consequence: missense variant.
Genome position (GRCh38, 1-based): chr1:234,607,516, G>A on the plus strand (C>T on the coding strand, the complement: IRF2BP2 is on the minus strand). VCF-style: chr1-234607516-G-A. GRCh37 (hg19) VCF-style: chr1-234743262-G-A.
Other names: c.1337C>T, p.Ser446Phe (NM_001077397.1); short protein forms S446F, S462F.
Identifiers: ClinVar variation 3605978 (VCV003605978.2).

ClinVar aggregate classification (germline): Uncertain significance (1 of 4 stars; one submission).

gnomAD v4.1: 36 of 1,614,000 alleles (0.0022%); highest among the groups gnomAD compares: African/African-American, 0.0093%; no homozygotes.

Submission:

Labcorp Genetics (formerly Invitae), Labcorp
Classification: Uncertain significance. Last evaluated: 2024-08-13. Review status: criteria provided, single submitter. Criteria: Invitae Variant Classification Sherloc (09022015). Collection method: clinical testing. Allele origin: germline.
Comment: This sequence change replaces serine, which is neutral and polar, with phenylalanine, which is neutral and non-polar, at codon 462 of the IRF2BP2 protein (p.Ser462Phe). This variant is present in population databases (rs373927872, gnomAD 0.008%). This variant has not been reported in the literature in individuals affected with IRF2BP2-related conditions. An algorithm developed to predict the effect of missense changes on protein structure and function (PolyPhen-2) suggests that this variant is likely to be disruptive. In summary, the available evidence is currently insufficient to determine the role of this variant in disease. Therefore, it has been classified as a Variant of Uncertain Significance.